The following is an entry in ClinVar:

NM_020988.3(GNAO1):c.398_402dup (p.Ser135fs)

Gene: GNAO1 (G protein subunit alpha o1; plus strand). Cytogenetic location: 16q13.
Variant type: Duplication.
Coding change: c.398_402dup on transcript NM_020988.3 (MANE Select); coding-DNA positions 398 to 402, 5 bases duplicated (GCGAC; older notation c.398_402dupGCGAC).
Protein change: p.Ser135fs; shifts the reading frame from serine 135.
Molecular consequence: frameshift variant.
Genome position (GRCh38, 1-based): chr16:56,328,725-56,328,729, GCGAC duplicated. VCF-style (leftmost placement, unchanged base first): chr16-56328724-G-GGCGAC. GRCh37 (hg19) VCF-style: chr16-56362636-G-GGCGAC.
Other names: c.398_402dup, p.Ser135fs (NM_138736.3); short protein forms S135fs.
Identifiers: ClinVar variation 2705877 (VCV002705877.3), dbSNP rs2506858241, ClinGen allele CA2697555849.

ClinVar aggregate classification (germline): Pathogenic (1 of 4 stars; one submission).

Conditions:
Early-infantile DEE. Also called: Ohtahara syndrome; Early infantile epileptic encephalopathy with suppression bursts; Early infantile epileptic encephalopathy. Identifiers: Orphanet 1934, MedGen C0393706, MONDO:0800491.

Submission:

Labcorp Genetics (formerly Invitae), Labcorp
Classification: Pathogenic for Early-infantile DEE. Last evaluated: 2024-01-02. Review status: criteria provided, single submitter. Criteria: Invitae Variant Classification Sherloc (09022015). Collection method: clinical testing. Allele origin: germline.
Comment: This sequence change creates a premature translational stop signal (p.Ser135Alafs*54) in the GNAO1 gene. It is expected to result in an absent or disrupted protein product. Loss-of-function variants in GNAO1 are known to be pathogenic (PMID: 28747448). This variant is not present in population databases (gnomAD no frequency). This variant has not been reported in the literature in individuals affected with GNAO1-related conditions. For these reasons, this variant has been classified as Pathogenic.

Literature cited by the submitters: PubMed 28747448.